The following is an entry in ClinVar:

NM_001042492.3(NF1):c.5861C>G (p.Ser1954Ter)

Gene: NF1 (neurofibromin 1; plus strand). Cytogenetic location: 17q11.2.
Variant type: single nucleotide variant.
Coding change: c.5861C>G on transcript NM_001042492.3 (MANE Select); coding-DNA position 5861, C replaced by G.
Protein change: p.Ser1954Ter; replaces serine 1954 with a stop codon.
Molecular consequence: nonsense.
Genome position (GRCh38, 1-based): chr17:31,334,886, C>G. VCF-style: chr17-31334886-C-G. GRCh37 (hg19) VCF-style: chr17-29661904-C-G.
Other names: c.5798C>G, p.Ser1933Ter (NM_000267.4); short protein forms S1933*, S1954*.
Identifiers: ClinVar variation 834435 (VCV000834435.12), dbSNP rs2069602711, ClinGen allele CA399010660.

ClinVar aggregate classification (germline): Pathogenic. Review status: criteria provided, multiple submitters, no conflicts (2 of 4 stars). 5 submissions from 5 submitters: Pathogenic (5). Last evaluated 2025-03-14.

Conditions:
Hereditary cancer-predisposing syndrome. Also called: Neoplastic Syndromes, Hereditary; Hereditary neoplastic syndrome; Tumor predisposition; Hereditary Cancer Syndrome. Identifiers: Orphanet 140162, MedGen C0027672, MeSH D009386, MONDO:0015356.
Cardiovascular phenotype. Identifiers: MedGen CN230736.
Neurofibromatosis, type 1 (NF1). Also called: Peripheral type neurofibromatosis; Neurofibromatosis, type I; VON RECKLINGHAUSEN DISEASE; NEUROFIBROMATOSIS, TYPE I, SOMATIC. Identifiers: Orphanet 636, MedGen C0027831, MONDO:0018975, OMIM 162200. Disease mechanism: loss of function.

gnomAD v4.1: 1 of 1,613,836 alleles (0.000062%); highest among the groups gnomAD compares: Non-Finnish European, 0.000085%; no homozygotes.

Submissions (5):

GeneDx
Classification: Pathogenic. Last evaluated: 2025-03-14. Review status: criteria provided, single submitter. Criteria: GeneDx Variant Classification Process June 2021. Collection method: clinical testing. Allele origin: germline. Affected: yes.
Comment: Nonsense variant predicted to result in protein truncation or nonsense mediated decay in a gene for which loss of function is a known mechanism of disease; Not observed in large population cohorts (gnomAD); This variant is associated with the following publications: (PMID: 25525159, 21362601, 33877690, 31776437)

Labcorp Genetics (formerly Invitae), Labcorp
Classification: Pathogenic for Neurofibromatosis, type 1. Last evaluated: 2025-01-23. Review status: criteria provided, single submitter. Criteria: Invitae Variant Classification Sherloc (09022015). Collection method: clinical testing. Allele origin: germline.
Comment: This sequence change creates a premature translational stop signal (p.Ser1933*) in the NF1 gene. It is expected to result in an absent or disrupted protein product. Loss-of-function variants in NF1 are known to be pathogenic (PMID: 10712197, 23913538). This variant is not present in population databases (gnomAD no frequency). This premature translational stop signal has been observed in individual(s) with neurofibromatosis type 1 (PMID: 21362601). ClinVar contains an entry for this variant (Variation ID: 834435). For these reasons, this variant has been classified as Pathogenic.

NHS Central & South Genomic Laboratory Hub
Classification: Pathogenic for Neurofibromatosis type 1. Last evaluated: 2024-07-01. Review status: criteria provided, single submitter. Criteria: ACMG Guidelines, 2015. Collection method: clinical testing. Allele origin: germline. Affected: yes.

St. Jude Molecular Pathology, St. Jude Children's Research Hospital
Classification: Pathogenic for Neurofibromatosis, type 1. Last evaluated: 2022-09-06. Review status: criteria provided, single submitter. Criteria: St. Jude Assertion Criteria 2020. Collection method: clinical testing. Allele origin: germline. Affected: yes.
Comment: The NF1 c.5798C>G (p.Ser1933Ter) change is a nonsense variant that is predicted to cause premature protein truncation or absence of the protein due to nonsense mediated decay. This variant has been observed in individuals with Neurofibromatosis type 1 (PMID: 21362601, internal data). This variant is also known as p.Ser1954Ter in the literature. This variant is absent in gnomAD v2.1.1. Loss-of-function variants in NF1 are known to be pathogenic (PMID: 9003501, 10712197). In summary, this variant meets criteria to be classified as pathogenic.

Ambry Genetics
Classification: Pathogenic for Cardiovascular phenotype; Hereditary cancer-predisposing syndrome. Last evaluated: 2021-06-21. Review status: criteria provided, single submitter. Criteria: Ambry Variant Classification Scheme 2023. Collection method: clinical testing. Allele origin: germline.
Comment: The p.S1933* pathogenic mutation (also known as c.5798C>G), located in coding exon 39 of the NF1 gene, results from a C to G substitution at nucleotide position 5798. This changes the amino acid from a serine to a stop codon within coding exon 39. This alteration is expected to result in loss of function by premature protein truncation or nonsense-mediated mRNA decay. As such, this alteration is interpreted as a disease-causing mutation.

Literature cited by the submitters: PubMed 10712197 (cited by Labcorp Genetics (formerly Invitae), Labcorp); PubMed 23913538 (cited by Labcorp Genetics (formerly Invitae), Labcorp); PubMed 21362601 (cited by Labcorp Genetics (formerly Invitae), Labcorp).